The following is an entry in ClinVar:

ClinVar aggregate classification (germline): Uncertain significance (1 of 4 stars; one submission).

Conditions:
Inborn genetic diseases. Identifiers: MedGen C0950123, MeSH D030342.

Submission:

Ambry Genetics
Classification: Uncertain significance for Inborn genetic diseases. Last evaluated: 2025-06-11. Review status: criteria provided, single submitter. Criteria: Ambry Variant Classification Scheme 2023. Collection method: clinical testing. Allele origin: germline.
Comment: The c.401G>A (p.R134Q) alteration is located in exon 6 (coding exon 6) of the CAMK2A gene. This alteration results from a G to A substitution at nucleotide position 401, causing the arginine (R) at amino acid position 134 to be replaced by a glutamine (Q). This variant was not reported in population-based cohorts in the Genome Aggregation Database (gnomAD). This amino acid position is highly conserved in available vertebrate species. This missense alteration is located in a region that has a low rate of benign missense variation (Lek, 2016; Firth, 2009). This alteration is predicted to be deleterious by in silico analysis. Based on insufficient or conflicting evidence, the clinical significance of this alteration remains unclear.

NM_015981.4(CAMK2A):c.401G>A (p.Arg134Gln)

Gene: CAMK2A (calcium/calmodulin dependent protein kinase II alpha; minus strand). Cytogenetic location: 5q32.
Variant type: single nucleotide variant.
Coding change: c.401G>A on transcript NM_015981.4 (MANE Select); coding-DNA position 401, G replaced by A.
Protein change: p.Arg134Gln; replaces arginine 134 with glutamine.
Molecular consequence: missense variant.
Genome position (GRCh38, 1-based): chr5:150,256,583, C>T on the plus strand (G>A on the coding strand, the complement: CAMK2A is on the minus strand). VCF-style: chr5-150256583-C-T. GRCh37 (hg19) VCF-style: chr5-149636146-C-T.
Other names: c.401G>A, p.Arg134Gln (NM_001363989.1, NM_001363990.1, NM_001369025.2 and 1 more transcripts); short protein forms R134Q.
Identifiers: ClinVar variation 3994888 (VCV003994888.1).